The following is an entry in ClinVar:

ClinVar aggregate classification (germline): Pathogenic (1 of 4 stars; one submission).

Submission:

Labcorp Genetics (formerly Invitae), Labcorp
Classification: Pathogenic. Last evaluated: 2022-05-25. Review status: criteria provided, single submitter. Criteria: Invitae Variant Classification Sherloc (09022015). Collection method: clinical testing. Allele origin: germline.
Comment: A gross deletion of the genomic region encompassing the full coding sequence of the ALPL gene has been identified. Loss-of-function variants in ALPL are known to be pathogenic (PMID: 3174660, 10679946, 19500388). The boundaries of this event are unknown as they extend beyond the assayed region for this gene and therefore may encompass additional genes. This variant has not been reported in the literature in individuals affected with ALPL-related conditions. For these reasons, this variant has been classified as Pathogenic.

Literature cited by the submitters: PubMed 3174660; PubMed 10679946; PubMed 19500388.

NC_000001.10:g.(?_21880565)_(21904151_?)del

Gene: ALPL (alkaline phosphatase, biomineralization associated; plus strand). Cytogenetic location: 1p36.12.
Variant type: Deletion.
Identifiers: ClinVar variation 1074110 (VCV001074110.5).